The following is an entry in ClinVar:

NM_001256715.2(DNAAF3):c.1271dup (p.Phe426fs)

Genes: DNAAF3 (dynein axonemal assembly factor 3; minus strand), DNAAF3-AS1 (DNAAF3 antisense RNA 1; plus strand). Cytogenetic location: 19q13.42.
Variant type: Duplication.
Coding change: c.1271dup on transcript NM_001256715.2 (MANE Select); coding-DNA position 1271, one base duplicated (A; older notation c.1271dupA).
Protein change: p.Phe426fs; shifts the reading frame from phenylalanine 426.
Molecular consequence: frameshift variant.
Genome position (GRCh38, 1-based): chr19:55,159,417, T duplicated on the plus strand (A on the coding strand, the reverse complement: DNAAF3 is on the minus strand). VCF-style (leftmost placement, unchanged base first): chr19-55159416-C-CT. GRCh37 (hg19) VCF-style: chr19-55670784-C-CT.
Other names: c.1109dup, p.Phe372fs (NM_001256716.2); c.1412dup, p.Phe473fs (NM_178837.4); c.1472dupA (NM_001256714.1); c.1472dup, p.Phe493fs (NM_001256714.1); short protein forms F372fs, F426fs, F493fs, F473fs.
Identifiers: ClinVar variation 495054 (VCV000495054.12), dbSNP rs1349668884, ClinGen allele CA658684232.

ClinVar aggregate classification (germline): Pathogenic/Likely pathogenic. Review status: criteria provided, multiple submitters, no conflicts (2 of 4 stars). 6 submissions from 5 submitters: Pathogenic (2); Likely pathogenic (2). 2 of the submissions do not count toward it. Last evaluated 2025-12-21.

Conditions:
DNAAF3-related disorder. Also called: DNAAF3-related condition.
Primary ciliary dyskinesia 2. Also called: CILIARY DYSKINESIA, PRIMARY, 2, WITH OR WITHOUT SITUS INVERSUS. Identifiers: Orphanet 244, MedGen C1847554, MONDO:0011718, OMIM 606763.
Primary ciliary dyskinesia. Also called: Ciliary dyskinesia. Identifiers: Orphanet 244, MedGen C0008780, MONDO:0016575, HP:0012265.

Allele frequency attached by ClinVar (database versions not stated): gnomAD exomes below 0.00001; TOPMed below 0.00001.

Submissions (6):

PreventionGenetics, part of Exact Sciences
Classification: Likely pathogenic for DNAAF3-related condition. Last evaluated: 2025-12-21. Review status: criteria provided, single submitter. Criteria: ACMG Guidelines, 2015. Collection method: clinical testing. Allele origin: germline.
Comment: The DNAAF3 c.1472dupA variant is predicted to result in a frameshift and premature protein termination (p.Phe493Ilefs*52). To our knowledge, this variant has not been reported in the literature or in a large population database (gnomAD), indicating this variant is rare. Frameshift variants in DNAAF3 are expected to be pathogenic. This variant is interpreted as likely pathogenic.

Labcorp Genetics (formerly Invitae), Labcorp
Classification: Likely pathogenic for Primary ciliary dyskinesia. Last evaluated: 2024-02-19. Review status: criteria provided, single submitter. Criteria: Invitae Variant Classification Sherloc (09022015). Collection method: clinical testing. Allele origin: germline.
Comment: This sequence change creates a premature translational stop signal (p.Phe493Ilefs*52) in the DNAAF3 gene. While this is not anticipated to result in nonsense mediated decay, it is expected to disrupt the last 116 amino acid(s) of the DNAAF3 protein. This variant is not present in population databases (gnomAD no frequency). This premature translational stop signal has been observed in individual(s) with primary ciliary dyskinesia (Invitae). ClinVar contains an entry for this variant (Variation ID: 495054). In summary, the currently available evidence indicates that the variant is pathogenic, but additional data are needed to prove that conclusively. Therefore, this variant has been classified as Likely Pathogenic.

Center of Genomic medicine, Geneva, University Hospital of Geneva
Classification: Pathogenic for Primary ciliary dyskinesia 2. Last evaluated: 2017-08-07. Review status: criteria provided, single submitter. Criteria: ACMG Guidelines, 2015. Collection method: clinical testing. Allele origin: germline. Affected: yes.

Center of Genomic medicine, Geneva, University Hospital of Geneva
Classification: Pathogenic for Primary ciliary dyskinesia. Last evaluated: 2017-08-07. Review status: criteria provided, single submitter. Criteria: ACMG Guidelines, 2015. Collection method: clinical testing. Allele origin: germline. Affected: yes.

Genome Diagnostics Laboratory, Amsterdam University Medical Center
Classification: Pathogenic. Review status: no assertion criteria provided. Collection method: clinical testing. Allele origin: germline. Affected: yes. Study: VKGL Data-share Consensus. Not counted in ClinVar's aggregate classification.

Joint Genome Diagnostic Labs from Nijmegen and Maastricht, Radboudumc and MUMC+
Classification: Likely pathogenic. Review status: no assertion criteria provided. Collection method: clinical testing. Allele origin: germline. Affected: yes. Study: VKGL Data-share Consensus. Not counted in ClinVar's aggregate classification.